The following is an entry in ClinVar:

NM_182476.3(COQ6):c.1058C>A (p.Ala353Asp)

Genes: COQ6 (coenzyme Q6, monooxygenase; plus strand), ENTPD5 (ectonucleoside triphosphate diphosphohydrolase 5; minus strand). Cytogenetic location: 14q24.3.
Variant type: single nucleotide variant.
Coding change: c.1058C>A on transcript NM_182476.3 (MANE Select); coding-DNA position 1058, C replaced by A.
Protein change: p.Ala353Asp; replaces alanine 353 with aspartic acid.
Molecular consequence: missense variant. On other transcripts: 3 prime UTR variant (1), intron variant (5).
Genome position (GRCh38, 1-based): chr14:73,961,339, C>A. VCF-style: chr14-73961339-C-A. GRCh37 (hg19) VCF-style: chr14-74428042-C-A.
Other names: c.1058C>A, p.Ala353Asp (NM_001425255.1); c.950C>A, p.Ala317Asp (NM_001425256.1); c.893C>A, p.Ala298Asp (NM_001425257.1); c.875C>A, p.Ala292Asp (NM_001425258.1); c.833C>A, p.Ala278Asp (NM_001425259.1, NM_001425260.1, NM_001425261.1); c.803C>A, p.Ala268Asp (NM_001425262.1); c.731C>A, p.Ala244Asp (NM_001425263.1); c.518C>A, p.Ala173Asp (NM_001425264.1, NM_001425265.1); and 5 more; short protein forms A353D, A328D.
Identifiers: ClinVar variation 31595 (VCV000031595.6), dbSNP rs397514479, ClinGen allele CA129829.

ClinVar aggregate classification (germline): Pathogenic. Review status: criteria provided, single submitter (1 of 4 stars). 3 submissions from 3 submitters: Pathogenic (1). 2 of the submissions do not count toward it. Last evaluated 2024-10-18.

Conditions:
Familial steroid-resistant nephrotic syndrome with sensorineural deafness. Identifiers: Orphanet 280406, MedGen C3553349, MONDO:0013836, OMIM 614650.

Submissions (3):

3billion
Classification: Pathogenic for Familial steroid-resistant nephrotic syndrome with sensorineural deafness. Last evaluated: 2024-10-18. Review status: criteria provided, single submitter. Criteria: ACMG Guidelines, 2015. Collection method: clinical testing. Allele origin: germline. Affected: yes.
Comment: The variant is not observed in the gnomAD v4.1.0 dataset. Predicted Consequence/Location: Missense variant Functional studies provide moderate evidence of the variant having a damaging effect on the gene or gene product (PMID: 21540551). In silico tool predictions suggest damaging effect of the variant on gene or gene product [REVEL: 0.69 (>=0.6, sensitivity 0.68 and specificity 0.92)]. The same nucleotide change resulting in the same amino acid change has been previously reported to be associated with COQ6-related disorder (ClinVar ID: VCV000031595 /PMID: 21540551). The variant has been observed in multiple (>3) similarly affected unrelated individuals (PMID: 21540551, 30682496). The variant has been reported to co-segregate with the disease in at least one similarly affected relative/individual in the same family or similarly affected unrelated family (PMID: 21540551, 30682496). Therefore, this variant is classified as Pathogenic according to the recommendation of ACMG/AMP guideline.

OMIM
Classification: Pathogenic for COENZYME Q10 DEFICIENCY, PRIMARY, 6. Last evaluated: 2011-05-01. Review status: no assertion criteria provided. Collection method: literature only. Allele origin: germline. Not counted in ClinVar's aggregate classification.

GeneReviews
No classification provided. Condition: Familial steroid-resistant nephrotic syndrome with sensorineural deafness. Review status: no classification provided. Collection method: literature only. Allele origin: germline. Not counted in ClinVar's aggregate classification.

Literature cited by the submitters: PubMed 30682496 (cited by 3billion and OMIM); PubMed 21540551 (cited by 3 submitters); NCBI Bookshelf NBK410087 (cited by GeneReviews).